The following is an entry in ClinVar:

ClinVar aggregate classification (germline): Pathogenic/Likely pathogenic. Review status: criteria provided, multiple submitters, no conflicts (2 of 4 stars). 2 submissions from 2 submitters: Pathogenic (1); Likely pathogenic (1). Last evaluated 2025-09-10.

Conditions:
TTC37-related disorders.

Submissions (2):

Labcorp Genetics (formerly Invitae), Labcorp
Classification: Pathogenic. Last evaluated: 2025-09-10. Review status: criteria provided, single submitter. Criteria: Invitae Variant Classification Sherloc (09022015). Collection method: clinical testing. Allele origin: germline.
Comment: This sequence change creates a premature translational stop signal (p.Ser1245Lysfs*7) in the TTC37 gene. It is expected to result in an absent or disrupted protein product. Loss-of-function variants in TTC37 are known to be pathogenic (PMID: 20176027, 21120949). This variant is not present in population databases (gnomAD no frequency). This variant has not been reported in the literature in individuals affected with TTC37-related conditions. ClinVar contains an entry for this variant (Variation ID: 2182515). For these reasons, this variant has been classified as Pathogenic.

Blueprint Genetics
Classification: Likely pathogenic for TTC37-related disorders. Last evaluated: 2024-03-25. Review status: criteria provided, single submitter. Criteria: ACMG Guidelines, 2015. Collection method: clinical testing. Allele origin: germline. Affected: yes. Observed: 2 variant alleles.

Literature cited by the submitters: PubMed 20176027 (cited by Labcorp Genetics (formerly Invitae), Labcorp); PubMed 21120949 (cited by Labcorp Genetics (formerly Invitae), Labcorp).

NM_014639.4(SKIC3):c.3731dup (p.Ser1245fs)

Gene: SKIC3 (SKI3 subunit of superkiller complex; minus strand). Cytogenetic location: 5q15.
Variant type: Duplication.
Coding change: c.3731dup on transcript NM_014639.4 (MANE Select); coding-DNA position 3731, one base duplicated (G; older notation c.3731dupG).
Protein change: p.Ser1245fs; shifts the reading frame from serine 1245.
Molecular consequence: frameshift variant.
Genome position (GRCh38, 1-based): chr5:95,494,753, C duplicated on the plus strand (G on the coding strand, the reverse complement: SKIC3 is on the minus strand); the first of 3 consecutive C bases (chr5:95,494,753-95,494,755); duplicating any one gives the same sequence. VCF-style (leftmost placement, unchanged base first): chr5-95494752-T-TC. GRCh37 (hg19) VCF-style: chr5-94830456-T-TC.
Other names: short protein forms S1245fs.
Identifiers: ClinVar variation 2182515 (VCV002182515.5), dbSNP rs1746703466, ClinGen allele CA1565015278.